The following is an entry in ClinVar:

NM_006371.5(CRTAP):c.118G>T (p.Glu40Ter)

Gene: CRTAP (cartilage associated protein; plus strand). Cytogenetic location: 3p22.3.
Variant type: single nucleotide variant.
Coding change: c.118G>T on transcript NM_006371.5 (MANE Select); coding-DNA position 118, G replaced by T.
Protein change: p.Glu40Ter; replaces glutamic acid 40 with a stop codon.
Molecular consequence: nonsense.
Genome position (GRCh38, 1-based): chr3:33,114,195, G>T. VCF-style: chr3-33114195-G-T. GRCh37 (hg19) VCF-style: chr3-33155687-G-T.
Other names: c.118G>T, p.Glu40Ter (NM_001393363.1, NM_001393364.1, NM_001393365.1); short protein forms E40*.
Identifiers: ClinVar variation 217257 (VCV000217257.4), dbSNP rs863225043, ClinGen allele CA279115.
Genomic context (GRCh38, chr3:33,114,195, plus strand): 5'-GCGCTGCGCGCCGGGCGCGCCCAATACGAACGCTACAGCTTCCGCAGCTTCCCACGGGAC[G>T]AGCTGATGCCGCTCGAGTCGGCCTACCGGCACGCGCTGGACAAGTACAGCGGCGAGCACT-3'

ClinVar aggregate classification (germline): Pathogenic. Review status: criteria provided, single submitter (1 of 4 stars). 2 submissions from 2 submitters: Pathogenic (1). 1 of the submissions does not count toward it. Last evaluated 2024-01-05.

Conditions:
Osteogenesis imperfecta type 7 (OI7). Also called: OSTEOGENESIS IMPERFECTA, TYPE IIB; Osteogenesis imperfecta type 2B; OI type 2B; Osteogenesis imperfecta, perinatal lethal autosomal recessive; OI type IIB; OI type 7. Identifiers: MedGen C1853162, MONDO:0012536, OMIM 610682.

gnomAD v4.1: 2 of 1,593,696 alleles (0.00013%); highest among the groups gnomAD compares: South Asian, 0.0011%; no homozygotes.

Submissions (2):

Labcorp Genetics (formerly Invitae), Labcorp
Classification: Pathogenic for Osteogenesis imperfecta type 7. Last evaluated: 2024-01-05. Review status: criteria provided, single submitter. Criteria: Invitae Variant Classification Sherloc (09022015). Collection method: clinical testing. Allele origin: germline.
Comment: This sequence change creates a premature translational stop signal (p.Glu40*) in the CRTAP gene. It is expected to result in an absent or disrupted protein product. Loss-of-function variants in CRTAP are known to be pathogenic (PMID: 17055431, 19862557, 24715559). This variant is not present in population databases (gnomAD no frequency). This premature translational stop signal has been observed in individual(s) with autosomal recessive osteogenesis imperfecta (PMID: 25604815). ClinVar contains an entry for this variant (Variation ID: 217257). For these reasons, this variant has been classified as Pathogenic.

OMIM
Classification: Pathogenic for OSTEOGENESIS IMPERFECTA, TYPE VII. Last evaluated: 2015-03-01. Review status: no assertion criteria provided. Collection method: literature only. Allele origin: germline. Not counted in ClinVar's aggregate classification.

Literature cited by the submitters: PubMed 17055431 (cited by Labcorp Genetics (formerly Invitae), Labcorp); PubMed 19862557 (cited by Labcorp Genetics (formerly Invitae), Labcorp); PubMed 24715559 (cited by Labcorp Genetics (formerly Invitae), Labcorp); PubMed 25604815 (cited by Labcorp Genetics (formerly Invitae), Labcorp and OMIM).